The following is an entry in ClinVar:

NM_152564.5(VPS13B):c.934A>G (p.Thr312Ala)

Gene: VPS13B (vacuolar protein sorting 13 homolog B; plus strand). Cytogenetic location: 8q22.2.
Variant type: single nucleotide variant.
Coding change: c.934A>G on transcript NM_152564.5 (MANE Select); coding-DNA position 934, A replaced by G.
Protein change: p.Thr312Ala; replaces threonine 312 with alanine.
Molecular consequence: missense variant. On other transcripts: non-coding transcript variant (1).
Genome position (GRCh38, 1-based): chr8:99,115,871, A>G. VCF-style: chr8-99115871-A-G. GRCh37 (hg19) VCF-style: chr8-100128099-A-G.
Other names: c.934A>G, p.Thr312Ala (NM_015243.3, NM_017890.5, NM_181661.3); c.934A>G (NM_152564.4, NM_017890.3); short protein forms T312A.
Identifiers: ClinVar variation 862601 (VCV000862601.9), dbSNP rs780702951, ClinGen allele CA4822501.
Genomic context (GRCh38, chr8:99,115,871, plus strand): 5'-TTTAAAGAAGGCGAAATAGAGGACCTTACTTGTCATAATAAAGATATGCTAGGAAACATT[A>G]CAGGTAATGTAAAACTTTATTAAACAAAAACTTTATTTTAAGACTATTCTTACGTTTTAC-3'
Protein context (NP_689777.3, residues 302-322): CHNKDMLGNI[Thr312Ala]GSEDETRIDM

ClinVar aggregate classification (germline): Conflicting classifications of pathogenicity. Review status: criteria provided, conflicting classifications (1 of 4 stars). 6 submissions from 6 submitters: Uncertain significance (3); Likely benign (1). 2 of the submissions do not count toward it. Last evaluated 2024-08-04.

Conditions:
VPS13B-related disorder. Also called: VPS13B-related condition.
Inborn genetic diseases. Identifiers: MedGen C0950123, MeSH D030342.
Cohen syndrome (COH1). Also called: PEPPER SYNDROME; Cutis verticis gyrata, retinitis pigmentosa, and sensorineural deafness. Identifiers: Orphanet 193, MedGen C0265223, MONDO:0008999, OMIM 216550.

Allele frequency attached by ClinVar (database versions not stated): gnomAD exomes below 0.00001 and 0.00003; ExAC 0.00005; TOPMed 0.00011; gnomAD 0.00013 and 0.00014.
gnomAD v4.1: 27 of 1,612,020 alleles (0.0017%); highest among the groups gnomAD compares: African/African-American, 0.027%; no homozygotes.

Submissions (6):

Ambry Genetics
Classification: Uncertain significance for Inborn genetic diseases. Last evaluated: 2024-08-04. Review status: criteria provided, single submitter. Criteria: Ambry Variant Classification Scheme 2023. Collection method: clinical testing. Allele origin: germline.

Blueprint Genetics
Classification: Likely benign. Last evaluated: 2024-07-04. Review status: criteria provided, single submitter. Criteria: ACMG Guidelines, 2015. Collection method: clinical testing. Allele origin: germline.

Baylor Genetics
Classification: Uncertain significance for Cohen syndrome. Last evaluated: 2023-07-21. Review status: criteria provided, single submitter. Criteria: ACMG Guidelines, 2015. Collection method: clinical testing. Allele origin: unknown.

Labcorp Genetics (formerly Invitae), Labcorp
Classification: Uncertain significance for Cohen syndrome. Last evaluated: 2022-11-01. Review status: criteria provided, single submitter. Criteria: Invitae Variant Classification Sherloc (09022015). Collection method: clinical testing. Allele origin: germline.
Comment: This sequence change replaces threonine with alanine at codon 312 of the VPS13B protein (p.Thr312Ala). The threonine residue is weakly conserved and there is a small physicochemical difference between threonine and alanine. This variant is present in population databases (rs780702951, gnomAD 0.04%). This variant has not been reported in the literature in individuals affected with VPS13B-related conditions. ClinVar contains an entry for this variant (Variation ID: 862601). Advanced modeling of protein sequence and biophysical properties (such as structural, functional, and spatial information, amino acid conservation, physicochemical variation, residue mobility, and thermodynamic stability) performed at Invitae indicates that this missense variant is not expected to disrupt VPS13B protein function. In summary, the available evidence is currently insufficient to determine the role of this variant in disease. Therefore, it has been classified as a Variant of Uncertain Significance.

PreventionGenetics, part of Exact Sciences
Classification: Uncertain significance for VPS13B-related condition. Last evaluated: 2024-05-07. Review status: no assertion criteria provided. Collection method: clinical testing. Allele origin: germline. Not counted in ClinVar's aggregate classification.
Comment: The VPS13B c.934A>G variant is predicted to result in the amino acid substitution p.Thr312Ala. To our knowledge, this variant has not been reported in the literature. This variant is reported in 0.036% of alleles in individuals of African descent in gnomAD. At this time, the clinical significance of this variant is uncertain due to the absence of conclusive functional and genetic evidence.

Natera, Inc.
Classification: Likely benign for Cohen syndrome. Last evaluated: 2020-09-18. Review status: no assertion criteria provided. Collection method: clinical testing. Allele origin: germline. Not counted in ClinVar's aggregate classification.